The following is an entry in ClinVar:

NM_001098.3(ACO2):c.755C>T (p.Ala252Val)

Gene: ACO2 (aconitase 2; plus strand). Cytogenetic location: 22q13.2.
Variant type: single nucleotide variant.
Coding change: c.755C>T on transcript NM_001098.3 (MANE Select); coding-DNA position 755, C replaced by T.
Protein change: p.Ala252Val; replaces alanine 252 with valine.
Molecular consequence: missense variant.
Genome position (GRCh38, 1-based): chr22:41,515,837, C>T. VCF-style: chr22-41515837-C-T. GRCh37 (hg19) VCF-style: chr22-41911841-C-T.
Other names: short protein forms A252V.
Identifiers: ClinVar variation 4745594 (VCV004745594.1).

ClinVar aggregate classification (germline): Uncertain significance (1 of 4 stars; one submission).

gnomAD v4.1: 1 of 1,614,206 alleles (0.000062%); highest among the groups gnomAD compares: Non-Finnish European, 0.000085%; no homozygotes.

Submission:

Labcorp Genetics (formerly Invitae), Labcorp
Classification: Uncertain significance. Last evaluated: 2025-03-16. Review status: criteria provided, single submitter. Criteria: Invitae Variant Classification Sherloc (09022015). Collection method: clinical testing. Allele origin: germline.
Comment: This sequence change replaces alanine, which is neutral and non-polar, with valine, which is neutral and non-polar, at codon 252 of the ACO2 protein (p.Ala252Val). This variant is not present in population databases (gnomAD no frequency). This variant has not been reported in the literature in individuals affected with ACO2-related conditions. Invitae Evidence Modeling of protein sequence and biophysical properties (such as structural, functional, and spatial information, amino acid conservation, physicochemical variation, residue mobility, and thermodynamic stability) indicates that this missense variant is not expected to disrupt ACO2 protein function with a negative predictive value of 80%. In summary, the available evidence is currently insufficient to determine the role of this variant in disease. Therefore, it has been classified as a Variant of Uncertain Significance.